The following is an entry in ClinVar:

ClinVar aggregate classification (germline): Likely pathogenic (1 of 4 stars; one submission).

Conditions:
Dilated cardiomyopathy 1G (CMD1G). Identifiers: Orphanet 154, MedGen C1858763, MONDO:0011400, OMIM 604145.

Submission:

MVZ Medizinische Genetik Mainz
Classification: Likely pathogenic for Dilated cardiomyopathy 1G. Last evaluated: 2023-10-30. Review status: criteria provided, single submitter. Criteria: UK Practice Guidelines For Variant Classification V4 01 2020. Collection method: clinical testing. Allele origin: germline. Inheritance: Autosomal dominant inheritance. Affected: yes. Observed: 1 variant allele.
Comment: ACMG Criteria: PVS1,PM2_SUP

NM_001267550.2(TTN):c.56905del (p.Ala18969fs)

Genes: TTN (titin; minus strand), TTN-AS1 (TTN antisense RNA 1; plus strand). Cytogenetic location: 2q31.2.
Variant type: Deletion.
Coding change: c.56905del on transcript NM_001267550.2 (MANE Select); coding-DNA position 56905, one base deleted (G; older notation c.56905delG).
Protein change: p.Ala18969fs; shifts the reading frame from alanine 18969.
Molecular consequence: frameshift variant.
Genome position (GRCh38, 1-based): chr2:178,598,805, C deleted on the plus strand (G on the coding strand, the reverse complement: TTN is on the minus strand). VCF-style (leftmost placement, unchanged base first): chr2-178598804-GC-G. GRCh37 (hg19) VCF-style: chr2-179463531-GC-G.
Other names: c.51982del, p.Ala17328fs (NM_001256850.1); c.29710del, p.Ala9904fs (NM_003319.4); c.49201del, p.Ala16401fs (NM_133378.4); c.30085del, p.Ala10029fs (NM_133432.3); c.30286del, p.Ala10096fs (NM_133437.4); short protein forms A10029fs, A10096fs, A16401fs, A17328fs, A18969fs, A9904fs.
Identifiers: ClinVar variation 3066150 (VCV003066150.1), dbSNP rs2469863365, ClinGen allele CA2740098036.